The following is an entry in ClinVar:

NM_001127198.5(TMC6):c.1403A>G (p.Gln468Arg)

Gene: TMC6 (transmembrane channel like 6; minus strand). Cytogenetic location: 17q25.3.
Variant type: single nucleotide variant.
Coding change: c.1403A>G on transcript NM_001127198.5 (MANE Select); coding-DNA position 1403, A replaced by G.
Protein change: p.Gln468Arg; replaces glutamine 468 with arginine.
Molecular consequence: missense variant. On other transcripts: non-coding transcript variant (4).
Genome position (GRCh38, 1-based): chr17:78,121,145, T>C on the plus strand (A>G on the coding strand, the complement: TMC6 is on the minus strand). VCF-style: chr17-78121145-T-C. GRCh37 (hg19) VCF-style: chr17-76117226-T-C.
Other names: c.1403A>G, p.Gln468Arg (NM_001321185.1, NM_001374593.1, NM_001374594.1 and 4 more transcripts); short protein forms Q468R.
Identifiers: ClinVar variation 2197885 (VCV002197885.3), dbSNP rs939273818, ClinGen allele CA294347455.

ClinVar aggregate classification (germline): Uncertain significance (1 of 4 stars; one submission).

Conditions:
Epidermodysplasia verruciformis. Identifiers: Orphanet 302, MedGen C0014522, MONDO:0009176.

Allele frequency attached by ClinVar (database versions not stated): gnomAD exomes below 0.00001; TOPMed 0.00001; gnomAD 0.00002.
gnomAD v4.1: 4 of 1,599,602 alleles (0.00025%); highest among the groups gnomAD compares: Non-Finnish European, 0.00034%; no homozygotes.

Submission:

Labcorp Genetics (formerly Invitae), Labcorp
Classification: Uncertain significance for Epidermodysplasia verruciformis. Last evaluated: 2022-05-15. Review status: criteria provided, single submitter. Criteria: Invitae Variant Classification Sherloc (09022015). Collection method: clinical testing. Allele origin: germline.
Comment: Algorithms developed to predict the effect of missense changes on protein structure and function output the following: SIFT: "Not Available"; PolyPhen-2: "Benign"; Align-GVGD: "Not Available". The arginine amino acid residue is found in multiple mammalian species, which suggests that this missense change does not adversely affect protein function. In summary, the available evidence is currently insufficient to determine the role of this variant in disease. Therefore, it has been classified as a Variant of Uncertain Significance. This variant has not been reported in the literature in individuals affected with TMC6-related conditions. This variant is present in population databases (no rsID available, gnomAD 0.007%). This sequence change replaces glutamine, which is neutral and polar, with arginine, which is basic and polar, at codon 468 of the TMC6 protein (p.Gln468Arg).